The following is an entry in ClinVar:

ClinVar aggregate classification (germline): Uncertain significance (1 of 4 stars; one submission).

Conditions:
Gnathodiaphyseal dysplasia (GDD). Also called: GNATHODIAPHYSEAL SCLEROSIS; OSTEOGENESIS IMPERFECTA WITH UNUSUAL SKELETAL LESIONS. Identifiers: Orphanet 53697, MedGen C1833736, MONDO:0008151, OMIM 166260.
Autosomal recessive limb-girdle muscular dystrophy type 2L (LGMDR12). Also called: Limb-girdle muscular dystrophy, type 2L; MUSCULAR DYSTROPHY, LIMB-GIRDLE, AUTOSOMAL RECESSIVE 12; Limb-Girdle Muscular Dystrophy R12 Anoctamin-5-Related (LGMD-R12). Identifiers: Orphanet 206549, MedGen C1969785, MONDO:0012652, OMIM 611307.

Submission:

Labcorp Genetics (formerly Invitae), Labcorp
Classification: Uncertain significance for Autosomal recessive limb-girdle muscular dystrophy type 2L; Gnathodiaphyseal dysplasia. Last evaluated: 2022-05-24. Review status: criteria provided, single submitter. Criteria: Invitae Variant Classification Sherloc (09022015). Collection method: clinical testing. Allele origin: germline.
Comment: This variant has not been reported in the literature in individuals affected with ANO5-related conditions. In summary, the available evidence is currently insufficient to determine the role of this variant in disease. Therefore, it has been classified as a Variant of Uncertain Significance. Advanced modeling of protein sequence and biophysical properties (such as structural, functional, and spatial information, amino acid conservation, physicochemical variation, residue mobility, and thermodynamic stability) performed at Invitae indicates that this missense variant is not expected to disrupt ANO5 protein function. This variant is not present in population databases (gnomAD no frequency). This sequence change replaces glutamic acid, which is acidic and polar, with aspartic acid, which is acidic and polar, at codon 95 of the ANO5 protein (p.Glu95Asp).

NM_213599.3(ANO5):c.285G>C (p.Glu95Asp)

Gene: ANO5 (anoctamin 5; plus strand). Cytogenetic location: 11p14.3.
Variant type: single nucleotide variant.
Coding change: c.285G>C on transcript NM_213599.3 (MANE Select); coding-DNA position 285, G replaced by C.
Protein change: p.Glu95Asp; replaces glutamic acid 95 with aspartic acid.
Molecular consequence: missense variant.
Genome position (GRCh38, 1-based): chr11:22,221,201, G>C. VCF-style: chr11-22221201-G-C. GRCh37 (hg19) VCF-style: chr11-22242747-G-C.
Other names: c.282G>C, p.Glu94Asp (NM_001142649.2); c.243G>C, p.Glu81Asp (NM_001410963.1); c.240G>C, p.Glu80Asp (NM_001410964.1); short protein forms E94D, E81D, E80D, E95D.
Identifiers: ClinVar variation 2117021 (VCV002117021.4), dbSNP rs1852639495, ClinGen allele CA379925551.